The following is an entry in ClinVar:

ClinVar aggregate classification (germline): Uncertain significance (1 of 4 stars; one submission).

Submission:

Labcorp Genetics (formerly Invitae), Labcorp
Classification: Uncertain significance. Last evaluated: 2021-12-09. Review status: criteria provided, single submitter. Criteria: Invitae Variant Classification Sherloc (09022015). Collection method: clinical testing. Allele origin: germline.
Comment: This sequence change replaces aspartic acid, which is acidic and polar, with tyrosine, which is neutral and polar, at codon 371 of the COL4A4 protein (p.Asp371Tyr). This variant is not present in population databases (gnomAD no frequency). This variant has not been reported in the literature in individuals affected with COL4A4-related conditions. Algorithms developed to predict the effect of missense changes on protein structure and function are either unavailable or do not agree on the potential impact of this missense change (SIFT: "Deleterious"; PolyPhen-2: "Probably Damaging"; Align-GVGD: "Class C0"). Algorithms developed to predict the effect of sequence changes on RNA splicing suggest that this variant may create or strengthen a splice site. In summary, the available evidence is currently insufficient to determine the role of this variant in disease. Therefore, it has been classified as a Variant of Uncertain Significance.

NM_000092.5(COL4A4):c.1111G>T (p.Asp371Tyr)

Gene: COL4A4 (collagen type IV alpha 4 chain; minus strand). Cytogenetic location: 2q36.3.
Variant type: single nucleotide variant.
Coding change: c.1111G>T on transcript NM_000092.5 (MANE Select); coding-DNA position 1111, G replaced by T.
Protein change: p.Asp371Tyr; replaces aspartic acid 371 with tyrosine.
Molecular consequence: missense variant.
Genome position (GRCh38, 1-based): chr2:227,098,787, C>A on the plus strand (G>T on the coding strand, the complement: COL4A4 is on the minus strand). VCF-style: chr2-227098787-C-A. GRCh37 (hg19) VCF-style: chr2-227963503-C-A.
Other names: short protein forms D371Y.
Identifiers: ClinVar variation 2009298 (VCV002009298.4), dbSNP rs2060345176, ClinGen allele CA350854306.